The following is an entry in ClinVar:

NM_000038.6(APC):c.346_359del (p.Gly116fs)

Gene: APC (APC regulator of Wnt signaling pathway; plus strand). Cytogenetic location: 5q22.2.
Variant type: Deletion.
Coding change: c.346_359del on transcript NM_000038.6 (MANE Select); coding-DNA positions 346 to 359, 14 bases deleted (GGTTCATTTCCAAG).
Protein change: p.Gly116fs; shifts the reading frame from glycine 116.
Molecular consequence: frameshift variant. On other transcripts: 5 prime UTR variant (1).
Genome position (GRCh38, 1-based): chr5:112,767,314-112,767,327, GGTTCATTTCCAAG deleted; deleting any 14 consecutive bases within chr5:112,767,313-112,767,327 gives the same sequence; the c. name uses the placement nearest the transcript's 3' end. VCF-style (leftmost placement, unchanged base first): chr5-112767312-TGGGTTCATTTCCAA-T. GRCh37 (hg19) VCF-style: chr5-112103009-TGGGTTCATTTCCAA-T.
Other names: c.346_359del, p.Gly116fs (NM_001127510.3, NM_001354895.2, NM_001354896.2 and 2 more transcripts); c.376_389del, p.Gly126fs (NM_001127511.3, NM_001354897.2, NM_001354902.2); c.271_284del, p.Gly91fs (NM_001354898.2, NM_001354904.2); c.169_182del, p.Gly57fs (NM_001354900.2, NM_001354901.2, NM_001354905.2); c.-690_-677del (NM_001354906.2); short protein forms G57fs, G116fs, G126fs, G91fs.
Identifiers: ClinVar variation 433600 (VCV000433600.2), dbSNP rs1554069805, ClinGen allele CA645372770.
Genomic context (GRCh38, chr5:112,767,312, plus strand): 5'-CTTATGGAAGCCGGGAAGGATCTGTATCAAGCCGTTCTGGAGAGTGCAGTCCTGTTCCTA[TGGGTTCATTTCCAA>T]GAAGAGGGTTTGTAAATGGAAGCAGAGAAAGTACTGGATATTTAGAAGAACTTGAGAAAG-3'

ClinVar aggregate classification (germline): Pathogenic (0 of 4 stars; one submission).

Conditions:
Carcinoma of colon (CRC). Also called: Colon carcinoma; Colonic carcinoma. Identifiers: MedGen C0699790, MONDO:0002032.

Submission:

Department of Pathology and Laboratory Medicine, Sinai Health System
Classification: Pathogenic for Carcinoma of colon. Review status: no assertion criteria provided. Collection method: clinical testing. Allele origin: unknown. Affected: yes. Observed: 1 variant allele. Study: The Canadian Open Genetics Repository (COGR).
Comment: The APC p.Gly116LysfsX18 variant was not identified in the literature nor was it identified in the in dbSNP, Clinvitae database, COSMIC, InSiGHT Colon Cancer Gene Variant Database (LOVD), Zhejiang Colon Cancer Database (LOVD), ClinVar database, GeneInsight - COGR database, UMD, NHLBI GO Exome Sequencing Project, the Exome Aggregation Consortium database (August 8, 2016) databases. The variant occurs outside of the splicing consensus sequence and 2 of 5 in silico or computational prediction software programs (SpliceSiteFinder, MaxEntScan, NNSPLICE, GeneSplicer, HumanSpliceFinder) predict a greater than 10% difference in splicing; this is not very predictive of pathogenicity. The c.346_359del variant is predicted to cause a frameshift, which alters the protein's amino acid sequence beginning at codon 116 and leads to a premature stop codon 18 codons downstream. This alteration is then predicted to result in a truncated or absent protein and loss of function. Loss of function variants of the APC gene are an established mechanism of disease in familial adenomatous polyposis and is the type of variant expected to cause the disorder. This alteration would typically be predicted to result in a truncated or absent protein and loss of function; however, one study has demonstrated that for APC mutations closer to the 5â€šÃ„Ã´ terminus, an internal ribosome entry site is utilized to initiate translation at codon 184, resulting in a partially functional N-terminally truncated protein, which results in an attenuated phenotype (Heppner Goss 2002). In summary, based on the above information, this variant meets our laboratoryâ€šÃ„Ã´s criteria to be classified as pathogenic.